The following is an entry in ClinVar:

NM_001369.3(DNAH5):c.3785A>G (p.Glu1262Gly)

Genes: DNAH5 (dynein axonemal heavy chain 5; minus strand), DNAH5-AS1 (DNAH5 antisense RNA 1; plus strand). Cytogenetic location: 5p15.2.
Variant type: single nucleotide variant.
Coding change: c.3785A>G on transcript NM_001369.3 (MANE Select); coding-DNA position 3785, A replaced by G.
Protein change: p.Glu1262Gly; replaces glutamic acid 1262 with glycine.
Molecular consequence: missense variant.
Genome position (GRCh38, 1-based): chr5:13,870,816, T>C on the plus strand (A>G on the coding strand, the complement: DNAH5 is on the minus strand). VCF-style: chr5-13870816-T-C. GRCh37 (hg19) VCF-style: chr5-13870925-T-C.
Other names: short protein forms E1262G.
Identifiers: ClinVar variation 1734873 (VCV001734873.2), dbSNP rs1561475359, ClinGen allele CA359231503.

ClinVar aggregate classification (germline): Uncertain significance (1 of 4 stars; one submission).

Conditions:
Primary ciliary dyskinesia. Also called: Ciliary dyskinesia. Identifiers: Orphanet 244, MedGen C0008780, MONDO:0016575, HP:0012265.

Allele frequency attached by ClinVar (database versions not stated): gnomAD exomes below 0.00001; TOPMed below 0.00001.
gnomAD v4.1: 1 of 1,613,874 alleles (0.000062%); highest among the groups gnomAD compares: Non-Finnish European, 0.000085%; no homozygotes.

Submission:

Ambry Genetics
Classification: Uncertain significance for Primary ciliary dyskinesia. Last evaluated: 2020-05-26. Review status: criteria provided, single submitter. Criteria: Ambry Variant Classification Scheme 2023. Collection method: clinical testing. Allele origin: germline.
Comment: The p.E1262G variant (also known as c.3785A>G), located in coding exon 24 of the DNAH5 gene, results from an A to G substitution at nucleotide position 3785. The glutamic acid at codon 1262 is replaced by glycine, an amino acid with similar properties. This amino acid position is well conserved in available vertebrate species. In addition, this alteration is predicted to be tolerated by in silico analysis. Since supporting evidence is limited at this time, the clinical significance of this alteration remains unclear.